The following is an entry in ClinVar:

NM_025099.6(CTC1):c.28T>A (p.Ser10Thr)

Genes: CTC1 (CST telomere replication complex component 1; minus strand), PFAS (phosphoribosylformylglycinamidine synthase; plus strand). Cytogenetic location: 17p13.1.
Variant type: single nucleotide variant.
Coding change: c.28T>A on transcript NM_025099.6 (MANE Select); coding-DNA position 28, T replaced by A.
Protein change: p.Ser10Thr; replaces serine 10 with threonine.
Molecular consequence: missense variant. On other transcripts: non-coding transcript variant (1).
Genome position (GRCh38, 1-based): chr17:8,248,009, A>T on the plus strand (T>A on the coding strand, the complement: CTC1 is on the minus strand). VCF-style: chr17-8248009-A-T. GRCh37 (hg19) VCF-style: chr17-8151327-A-T.
Other names: short protein forms S10T.
Identifiers: ClinVar variation 1012044 (VCV001012044.8), dbSNP rs781595383, ClinGen allele CA8372752.

ClinVar aggregate classification (germline): Uncertain significance (1 of 4 stars; one submission).

Conditions:
Dyskeratosis congenita. Identifiers: Orphanet 1775, MedGen C0265965, MONDO:0015780.

Allele frequency attached by ClinVar (database versions not stated): TOPMed below 0.00001; gnomAD 0.00001.
gnomAD v4.1: 1 of 1,561,958 alleles (0.000064%); highest among the groups gnomAD compares: African/African-American, 0.0014%; no homozygotes.

Submission:

Labcorp Genetics (formerly Invitae), Labcorp
Classification: Uncertain significance for Dyskeratosis congenita. Last evaluated: 2020-10-14. Review status: criteria provided, single submitter. Criteria: Invitae Variant Classification Sherloc (09022015). Collection method: clinical testing. Allele origin: germline.
Comment: In summary, the available evidence is currently insufficient to determine the role of this variant in disease. Therefore, it has been classified as a Variant of Uncertain Significance. Algorithms developed to predict the effect of missense changes on protein structure and function output the following: SIFT: "Tolerated"; PolyPhen-2: "Benign"; Align-GVGD: "Class C0". The threonine amino acid residue is found in multiple mammalian species, suggesting that this missense change does not adversely affect protein function. These predictions have not been confirmed by published functional studies and their clinical significance is uncertain. This variant has not been reported in the literature in individuals with CTC1-related conditions. The frequency data for this variant in the population databases is considered unreliable, as metrics indicate poor data quality at this position in the ExAC database. This sequence change replaces serine with threonine at codon 10 of the CTC1 protein (p.Ser10Thr). The serine residue is weakly conserved and there is a small physicochemical difference between serine and threonine.